The following is an entry in ClinVar:

NM_020884.7(MYH7B):c.2176del (p.Arg726fs)

Gene: MYH7B (myosin heavy chain 7B; plus strand). Cytogenetic location: 20q11.22.
Variant type: Deletion.
Coding change: c.2176del on transcript NM_020884.7 (MANE Select); coding-DNA position 2176, one base deleted (C; older notation c.2176delC).
Protein change: p.Arg726fs; shifts the reading frame from arginine 726.
Molecular consequence: frameshift variant.
Genome position (GRCh38, 1-based): chr20:34,991,114, C deleted; the last of 2 consecutive C bases (chr20:34,991,113-34,991,114); deleting either gives the same sequence. VCF-style (leftmost placement, unchanged base first): chr20-34991112-TC-T. GRCh37 (hg19) VCF-style: chr20-33578915-TC-T.
Other names: short protein forms R726fs.
Identifiers: ClinVar variation 3776213 (VCV003776213.1).
Genomic context (GRCh38, chr20:34,991,112, plus strand): 5'-TCCTGGAGGGGATCCGGATCTGCCGCCAAGGGTTCCCCAACAGGTTGCTCTACACCGACT[TC>T]CGGCAGCGGTGGGTGACCCCTTCCCCCTGCCTGCTGCTCCAGGTGGAGGCCTGAGGGGCT-3'

ClinVar aggregate classification (germline): Likely pathogenic (1 of 4 stars; one submission).

Conditions:
MYH7B-related hypertrophic cardiomyopathy.

Submission:

3billion
Classification: Likely pathogenic for MYH7B-related hypertrophic cardiomyopathy. Last evaluated: 2023-08-17. Review status: criteria provided, single submitter. Criteria: ACMG Guidelines, 2015. Collection method: clinical testing. Allele origin: germline. Affected: yes.
Comment: The variant is observed at an extremely low frequency in the gnomAD v2.1.1 dataset (total allele frequency: 0.001%). Predicted Consequence/Location: Frameshift: predicted to result in a loss or disruption of normal protein function through nonsense-mediated decay (NMD) or protein truncation. Multiple pathogenic variants are reported downstream of the variant. Therefore, this variant is classified as VUS according to the recommendation of ACMG/AMP guideline.